The following is an entry in ClinVar:

ClinVar aggregate classification (germline): Conflicting classifications of pathogenicity. Review status: criteria provided, conflicting classifications (1 of 4 stars). 3 submissions from 2 submitters: Uncertain significance (2); Likely benign (1). Last evaluated 2022-03-28.

Conditions:
Transitory neonatal diabetes mellitus. Also called: Transient neonatal diabetes mellitus. Identifiers: MedGen C0342273, MONDO:0020525, HP:0008255.
Maturity-onset diabetes of the young (MODY). Also called: Maturity onset diabetes mellitus in young. Identifiers: Orphanet 552, MedGen C0342276, MONDO:0018911, HP:0004904.

Allele frequency attached by ClinVar (database versions not stated): gnomAD below 0.00001 and 0.00001.
gnomAD v4.1: 1 of 1,613,442 alleles (0.000062%); highest among the groups gnomAD compares: South Asian, 0.0011%; no homozygotes.

Submissions (3):

Labcorp Genetics (formerly Invitae), Labcorp
Classification: Likely benign. Last evaluated: 2022-03-28. Review status: criteria provided, single submitter. Criteria: Invitae Variant Classification Sherloc (09022015). Collection method: clinical testing. Allele origin: germline.

Clinical Genomics, Uppaluri K&H Personalized Medicine Clinic
Classification: Uncertain significance for Transitory neonatal diabetes mellitus. Review status: criteria provided, single submitter. Criteria: K & H Uppaluri Personalized Medicine Clinic Variant Classification & Assertion Criteria_Updated V.1. Collection method: research. Allele origin: somatic. Inheritance: Somatic mutation.
Comment: Mutations in ABCC8 gene are associated with both neonatal diabetes mellitus as well as MODY. Patients with this mutation may have a better response to sulfonylureas. However, no sufficient evidence is found to ascertain the role of this particular variant (rs1591717230) in neonatal diabetes yet.

Clinical Genomics, Uppaluri K&H Personalized Medicine Clinic
Classification: Uncertain significance for Maturity-onset diabetes of the young. Review status: criteria provided, single submitter. Criteria: K & H Uppaluri Personalized Medicine Clinic Variant Classification & Assertion Criteria_Updated V.1. Collection method: research. Allele origin: somatic. Inheritance: Somatic mutation.
Comment: Mutations in ABCC8 gene are associated with both neonatal diabetes mellitus as well as MODY. Patients with this mutation may have a better response to sulfonylureas. However, no sufficient evidence is found to ascertain the role of this particular variant (rs1591717230) in MODY yet.

Literature cited by the submitters: PubMed 16885549 (cited by Clinical Genomics, Uppaluri K&H Personalized Medicine Clinic); PubMed 21989597 (cited by Clinical Genomics, Uppaluri K&H Personalized Medicine Clinic); PubMed 27538677 (cited by Clinical Genomics, Uppaluri K&H Personalized Medicine Clinic); PubMed 18981553 (cited by Clinical Genomics, Uppaluri K&H Personalized Medicine Clinic); PubMed 32027066 (cited by Clinical Genomics, Uppaluri K&H Personalized Medicine Clinic); PubMed 16613899 (cited by Clinical Genomics, Uppaluri K&H Personalized Medicine Clinic); PubMed 18025408 (cited by Clinical Genomics, Uppaluri K&H Personalized Medicine Clinic); PubMed 32792356 (cited by Clinical Genomics, Uppaluri K&H Personalized Medicine Clinic).

NM_000352.6(ABCC8):c.3754-6C>T

Gene: ABCC8 (ATP binding cassette subfamily C member 8; minus strand). Cytogenetic location: 11p15.1.
Variant type: single nucleotide variant.
Coding change: c.3754-6C>T on transcript NM_000352.6 (MANE Select); 6 bases into the intron before coding-DNA position 3754, C replaced by T.
Molecular consequence: intron variant.
Genome position (GRCh38, 1-based): chr11:17,397,803, G>A on the plus strand (C>T on the coding strand, the complement: ABCC8 is on the minus strand). VCF-style: chr11-17397803-G-A. GRCh37 (hg19) VCF-style: chr11-17419350-G-A.
Other names: c.3751-6C>T (NM_001351297.2); c.3754-6C>T (NM_001351296.2); c.3820-6C>T (NM_001351295.2); c.3757-6C>T (NM_001287174.3).
Identifiers: ClinVar variation 752104 (VCV000752104.9), dbSNP rs1591717230, ClinGen allele CA915947968.
Genomic context (GRCh38, chr11:17,397,803, plus strand): 5'-AGTTGGAGATGGAGGTCACCGCTGCGATGAGCACCACACATGCACCGATGTACTCCTGGG[G>A]AGGGAGAGGAGCTGACCTGGGCGCTCAGGGGTTAGAGCCACAGGCCCCTGTTCTACCTCA-3'